The following is an entry in ClinVar:

ClinVar aggregate classification (germline): Likely benign. Review status: criteria provided, multiple submitters, no conflicts (2 of 4 stars). 2 submissions from 2 submitters: Likely benign (2). Last evaluated 2026-06-16.

Conditions:
KMT2A-related disorder. Also called: KMT2A-related condition.

gnomAD v4.1: 8 of 1,155,980 alleles (0.00069%); highest among the groups gnomAD compares: South Asian, 0.013%; no homozygotes.

Submissions (2):

PreventionGenetics, part of Exact Sciences
Classification: Likely benign for KMT2A-related condition. Last evaluated: 2026-06-16. Review status: criteria provided, single submitter. Criteria: ACMG Guidelines, 2015. Collection method: clinical testing. Allele origin: germline.
Comment: This variant is classified as likely benign based on ACMG/AMP sequence variant interpretation guidelines (Richards et al. 2015 PMID: 25741868, with internal and published modifications).

Labcorp Genetics (formerly Invitae), Labcorp
Classification: Likely benign. Last evaluated: 2025-09-29. Review status: criteria provided, single submitter. Criteria: Invitae Variant Classification Sherloc (09022015). Collection method: clinical testing. Allele origin: germline.

NM_001197104.2(KMT2A):c.126C>T (p.Pro42=)

Gene: KMT2A (lysine methyltransferase 2A; plus strand). Cytogenetic location: 11q23.3.
Variant type: single nucleotide variant.
Coding change: c.126C>T on transcript NM_001197104.2 (MANE Select); coding-DNA position 126, C replaced by T.
Protein change: p.Pro42=; no amino-acid change (proline 42 retained).
Molecular consequence: synonymous variant.
Genome position (GRCh38, 1-based): chr11:118,436,638, C>T. VCF-style: chr11-118436638-C-T. GRCh37 (hg19) VCF-style: chr11-118307353-C-T.
Other names: c.126C>T, p.Pro42= (NM_001412597.1, NM_005933.4).
Identifiers: ClinVar variation 4704252 (VCV004704252.2).